The following is an entry in ClinVar:

NM_004370.6(COL12A1):c.6458T>C (p.Val2153Ala)

Gene: COL12A1 (collagen type XII alpha 1 chain; minus strand). Cytogenetic location: 6q13.
Variant type: single nucleotide variant.
Coding change: c.6458T>C on transcript NM_004370.6 (MANE Select); coding-DNA position 6458, T replaced by C.
Protein change: p.Val2153Ala; replaces valine 2153 with alanine.
Molecular consequence: missense variant.
Genome position (GRCh38, 1-based): chr6:75,126,353, A>G on the plus strand (T>C on the coding strand, the complement: COL12A1 is on the minus strand). VCF-style: chr6-75126353-A-G. GRCh37 (hg19) VCF-style: chr6-75836069-A-G.
Other names: c.6458T>C, p.Val2153Ala (NM_001424113.1); c.6437T>C, p.Val2146Ala (NM_001424114.1); c.6185T>C, p.Val2062Ala (NM_001424115.1); c.2966T>C, p.Val989Ala (NM_001424116.1, NM_080645.3); c.6458T>C (NM_004370.5); short protein forms V2062A, V2153A, V2146A, V989A.
Identifiers: ClinVar variation 2944948 (VCV002944948.4), dbSNP rs1447576152, ClinGen allele CA364729970.

ClinVar aggregate classification (germline): Uncertain significance. Review status: criteria provided, multiple submitters, no conflicts (2 of 4 stars). 2 submissions from 2 submitters: Uncertain significance (2). Last evaluated 2025-11-26.

Conditions:
Ullrich congenital muscular dystrophy 2 (UCMD2). Identifiers: Orphanet 75840, MedGen C4225314, MONDO:0014654, OMIM 616470.
Bethlem myopathy 2 (BTHLM2). Identifiers: Orphanet 536516, Orphanet 610, MedGen C4225313, MONDO:0034022, OMIM 616471.
Inborn genetic diseases. Identifiers: MedGen C0950123, MeSH D030342.

Allele frequency attached by ClinVar (database versions not stated): gnomAD 0.00001; TOPMed below 0.00001.
gnomAD v4.1: 6 of 1,608,140 alleles (0.00037%); highest among the groups gnomAD compares: African/African-American, 0.0027%; no homozygotes.

Submissions (2):

Ambry Genetics
Classification: Uncertain significance for Inborn genetic diseases. Last evaluated: 2025-11-26. Review status: criteria provided, single submitter. Criteria: Ambry Variant Classification Scheme 2023. Collection method: clinical testing. Allele origin: germline.

Labcorp Genetics (formerly Invitae), Labcorp
Classification: Uncertain significance for Bethlem myopathy 2; Ullrich congenital muscular dystrophy 2. Last evaluated: 2025-09-15. Review status: criteria provided, single submitter. Criteria: Invitae Variant Classification Sherloc (09022015). Collection method: clinical testing. Allele origin: germline.
Comment: This sequence change replaces valine, which is neutral and non-polar, with alanine, which is neutral and non-polar, at codon 2153 of the COL12A1 protein (p.Val2153Ala). This variant is present in population databases (no rsID available, gnomAD 0.01%). This variant has not been reported in the literature in individuals affected with COL12A1-related conditions. ClinVar contains an entry for this variant (Variation ID: 2944948). An algorithm developed to predict the effect of missense changes on protein structure and function outputs the following: PolyPhen-2: "Benign". The alanine amino acid residue is found in multiple mammalian species, which suggests that this missense change does not adversely affect protein function. In summary, the available evidence is currently insufficient to determine the role of this variant in disease. Therefore, it has been classified as a Variant of Uncertain Significance.